The following is an entry in ClinVar:

ClinVar aggregate classification (germline): Pathogenic (1 of 4 stars; one submission).

Conditions:
Optic atrophy 3 (OPA3). Also called: OPTIC ATROPHY 3, AUTOSOMAL DOMINANT; Optic atrophy, cataract, and neurologic disorder; Optic atrophy 3 with cataract. Identifiers: Orphanet 67036, MedGen C1833809, MONDO:0008133, OMIM 165300.
3-Methylglutaconic aciduria type 3 (MGCA3). Also called: OPA3, AUTOSOMAL RECESSIVE; OPTIC ATROPHY 3, AUTOSOMAL RECESSIVE; OPA3-Related 3-Methylglutaconic Aciduria; Costeff Syndrome. Identifiers: Orphanet 67047, MedGen C0574084, MONDO:0009787, OMIM 258501.

Submission:

Labcorp Genetics (formerly Invitae), Labcorp
Classification: Pathogenic for 3-Methylglutaconic aciduria type 3; Optic atrophy 3. Last evaluated: 2023-08-04. Review status: criteria provided, single submitter. Criteria: Invitae Variant Classification Sherloc (09022015). Collection method: clinical testing. Allele origin: germline.
Comment: For these reasons, this variant has been classified as Pathogenic. This variant disrupts a region of the OPA3 protein in which other variant(s) (Deletion (Exon 2)) have been determined to be pathogenic (Invitae). This suggests that this is a clinically significant region of the protein, and that variants that disrupt it are likely to be disease-causing. ClinVar contains an entry for this variant (Variation ID: 2128878). This variant has not been reported in the literature in individuals affected with OPA3-related conditions. This variant is not present in population databases (gnomAD no frequency). This sequence change creates a premature translational stop signal (p.Glu35*) in the OPA3 gene. While this is not anticipated to result in nonsense mediated decay, it is expected to disrupt the last 145 amino acid(s) of the OPA3 protein.

NM_025136.4(OPA3):c.103G>T (p.Glu35Ter)

Genes: OPA3 (outer mitochondrial membrane lipid metabolism regulator OPA3; minus strand), OPA3-RTN2 (OPA3-RTN2 readthrough; minus strand). Cytogenetic location: 19q13.32.
Variant type: single nucleotide variant.
Coding change: c.103G>T on transcript NM_025136.4 (MANE Select); coding-DNA position 103, G replaced by T.
Protein change: p.Glu35Ter; replaces glutamic acid 35 with a stop codon.
Molecular consequence: nonsense.
Genome position (GRCh38, 1-based): chr19:45,584,662, C>A on the plus strand (G>T on the coding strand, the complement: OPA3 is on the minus strand). VCF-style: chr19-45584662-C-A. GRCh37 (hg19) VCF-style: chr19-46087920-C-A.
Other names: c.103G>T, p.Glu35Ter (NM_001017989.3); short protein forms E35*.
Identifiers: ClinVar variation 2128878 (VCV002128878.4), dbSNP rs2513861191, ClinGen allele CA406378384.